The following is an entry in ClinVar:

NM_001367721.1(CASK):c.1451A>G (p.Asn484Ser)

Gene: CASK (calcium/calmodulin dependent serine protein kinase; minus strand). Cytogenetic location: Xp11.4.
Variant type: single nucleotide variant.
Coding change: c.1451A>G on transcript NM_001367721.1 (MANE Select); coding-DNA position 1451, A replaced by G.
Protein change: p.Asn484Ser; replaces asparagine 484 with serine.
Molecular consequence: missense variant.
Genome position (GRCh38, 1-based): chrX:41,578,392, T>C on the plus strand (A>G on the coding strand, the complement: CASK is on the minus strand). VCF-style: chrX-41578392-T-C. GRCh37 (hg19) VCF-style: chrX-41437645-T-C.
Other names: c.1451A>G, p.Asn484Ser (NM_001126054.3, NM_003688.4); c.1433A>G, p.Asn478Ser (NM_001126055.3, NM_001410745.1); short protein forms N484S, N478S.
Identifiers: ClinVar variation 2832139 (VCV002832139.3), dbSNP rs2519818552, ClinGen allele CA412997429.

ClinVar aggregate classification (germline): Uncertain significance (1 of 4 stars; one submission).

Conditions:
Intellectual disability, CASK-related, X-linked. Identifiers: MedGen CN043158.

Submission:

Labcorp Genetics (formerly Invitae), Labcorp
Classification: Uncertain significance for Intellectual disability, CASK-related, X-linked. Last evaluated: 2025-06-02. Review status: criteria provided, single submitter. Criteria: Invitae Variant Classification Sherloc (09022015). Collection method: clinical testing. Allele origin: germline.
Comment: This sequence change replaces asparagine, which is neutral and polar, with serine, which is neutral and polar, at codon 484 of the CASK protein (p.Asn484Ser). This variant is not present in population databases (gnomAD no frequency). This variant has not been reported in the literature in individuals affected with CASK-related conditions. ClinVar contains an entry for this variant (Variation ID: 2832139). Invitae Evidence Modeling of protein sequence and biophysical properties (such as structural, functional, and spatial information, amino acid conservation, physicochemical variation, residue mobility, and thermodynamic stability) indicates that this missense variant is not expected to disrupt CASK protein function with a negative predictive value of 80%. In summary, the available evidence is currently insufficient to determine the role of this variant in disease. Therefore, it has been classified as a Variant of Uncertain Significance.